The following is an entry in ClinVar:

NM_021625.5(TRPV4):c.2472G>A (p.Ser824=)

Gene: TRPV4 (transient receptor potential cation channel subfamily V member 4; minus strand). Cytogenetic location: 12q24.11.
Variant type: single nucleotide variant.
Coding change: c.2472G>A on transcript NM_021625.5 (MANE Select); coding-DNA position 2472, G replaced by A.
Protein change: p.Ser824=; no amino-acid change (serine 824 retained).
Molecular consequence: synonymous variant.
Genome position (GRCh38, 1-based): chr12:109,783,765, C>T on the plus strand (G>A on the coding strand, the complement: TRPV4 is on the minus strand). VCF-style: chr12-109783765-C-T. GRCh37 (hg19) VCF-style: chr12-110221570-C-T.
Other names: p.Ser824=; c.2292G>A, p.Ser764= (NM_147204.3); c.2331G>A, p.Ser777= (NM_001177428.2); c.2370G>A, p.Ser790= (NM_001177431.2); c.2151G>A, p.Ser717= (NM_001177433.2).
Identifiers: ClinVar variation 378763 (VCV000378763.64), dbSNP rs149988106, ClinGen allele CA6779880.
Genomic context (GRCh38, chr12:109,783,765, plus strand): 5'-AGGCACCACCACCTCGTCCGGGTTCGAGTTCTTGTTCAGTTCCACCACGCGGGGTACCAC[C>T]GAGGACCAGCGATCTGCACCGAGAGCACATCAGAGGGAGGGGTGGGGGTTGGTGGAGAGA-3'
Protein context (NP_067638.3, residues 814-834): VGRLRRDRWS[Ser824=]VVPRVVELNK

ClinVar aggregate classification (germline): Benign/Likely benign. Review status: criteria provided, multiple submitters, no conflicts (2 of 4 stars). 15 submissions from 10 submitters: Benign (8); Likely benign (7). Last evaluated 2026-07-01.

Conditions:
Brachyrachia (short spine dysplasia) (BCYM3). Also called: Autosomal dominant brachyolmia; Brachyolmia, TRPV4-Related; BRACHYRACHIA; Brachyolmia Type 3. Identifiers: Orphanet 93304, MedGen C0432227, MONDO:0007232, OMIM 113500.
Spondylometaphyseal dysplasia, Kozlowski type (SMDK). Also called: Dysmorphism arthrogryposis skeletal maturation advanced; Jequier-Kozlowski syndrome; Skeletal dysplasia Jequier-Kozlowski type; SMD Kozlowski type; Spondylometaphyseal Dysplasia, TRPV4-Related (Kozlowski Type). Identifiers: Orphanet 93314, MedGen C0265280, MONDO:0008477, OMIM 184252.
Inborn genetic diseases. Identifiers: MedGen C0950123, MeSH D030342.
Charcot-Marie-Tooth disease. Also called: Charcot-Marie-Tooth Neuropathy; Charcot-Marie-Tooth Hereditary Neuropathy. Identifiers: Orphanet 166, MedGen C0007959, MONDO:0015626.
Scapuloperoneal spinal muscular atrophy (SPSMA). Also called: Scapuloperoneal Form of Spinal Muscular Atrophy; Scapuloperoneal spinal muscular atrophy, autosomal dominant; AMYOTROPHY, NEUROGENIC SCAPULOPERONEAL, NEW ENGLAND TYPE; Scapuloperoneal Spinal Muscular Atrophy, TRPV4-Related. Identifiers: Orphanet 431255, MedGen C0751335, MONDO:0008408, OMIM 181405.
Metatropic dysplasia (MTD). Also called: Metatropic dysplasia, nonlethal dominant; METATROPIC DWARFISM; Metatropic Dysplasia, TRPV4-Related. Identifiers: Orphanet 2635, MedGen C0265281, MONDO:0007986, OMIM 156530.
Neuronopathy, distal hereditary motor, autosomal dominant 8. Also called: NEURONOPATHY, DISTAL HEREDITARY MOTOR, TYPE VIII; NEUROPATHY, DISTAL HEREDITARY MOTOR, TYPE VIII; Autosomal dominant congenital benign spinal muscular atrophy; SPINAL MUSCULAR ATROPHY, CONGENITAL BENIGN, WITH CONTRACTURES. Identifiers: Orphanet 1216, MedGen C1838492, MONDO:0010839, OMIM 600175.
Charcot-Marie-Tooth disease axonal type 2C (HMSN2C). Also called: CHARCOT-MARIE-TOOTH DISEASE, AXONAL, AUTOSOMAL DOMINANT, TYPE 2C; Charcot-Marie-Tooth Neuropathy Type 2C; Charcot-Marie-Tooth Disease Type 2, TRPV4-Related (CMT2C). Identifiers: Orphanet 99937, MedGen C1853710, MONDO:0011633, OMIM 606071.

Allele frequency attached by ClinVar (database versions not stated): 1000 Genomes Project 0.00020; 1000 Genomes Project 30x 0.00031; ExAC 0.00037; gnomAD exomes 0.00039; gnomAD 0.00071; TOPMed 0.00086; ESP Exome Variant Server 0.00092.
gnomAD v4.1: 1,556 of 1,611,804 alleles (0.097%); highest among the groups gnomAD compares: African/African-American, 0.12%; 4 homozygotes.

Submissions (15):

CeGaT Center for Human Genetics Tuebingen
Classification: Likely benign. Last evaluated: 2026-07-01. Review status: criteria provided, single submitter. Criteria: CeGaT Center For Human Genetics Tuebingen Variant Classification Criteria Version 2. Collection method: clinical testing. Allele origin: germline. Affected: yes. Observed: 10 variant alleles.
Comment: TRPV4: BP4, BP7

Labcorp Genetics (formerly Invitae), Labcorp
Classification: Likely benign for Charcot-Marie-Tooth disease axonal type 2C. Last evaluated: 2026-01-25. Review status: criteria provided, single submitter. Criteria: Invitae Variant Classification Sherloc (09022015). Collection method: clinical testing. Allele origin: germline.

Blueprint Genetics
Classification: Likely benign. Last evaluated: 2024-11-15. Review status: criteria provided, single submitter. Criteria: ACMG Guidelines, 2015. Collection method: clinical testing. Allele origin: germline.

Athena Diagnostics
Classification: Benign. Last evaluated: 2023-12-29. Review status: criteria provided, single submitter. Criteria: Athena Diagnostics Criteria. Collection method: clinical testing. Allele origin: unknown.

Mayo Clinic Laboratories, Mayo Clinic
Classification: Benign. Last evaluated: 2023-10-11. Review status: criteria provided, single submitter. Criteria: ACMG Guidelines, 2015. Collection method: clinical testing. Allele origin: germline. Observed: 8 variant alleles.
Comment: BS1, BS2, BP4, BP7

ARUP Laboratories, Molecular Genetics and Genomics, ARUP Laboratories
Classification: Likely benign. Last evaluated: 2021-09-09. Review status: criteria provided, single submitter. Criteria: ARUP Molecular Germline Variant Investigation Process 2021. Collection method: clinical testing. Allele origin: germline.

Ambry Genetics
Classification: Likely benign for Inborn genetic diseases. Last evaluated: 2019-07-11. Review status: criteria provided, single submitter. Criteria: Ambry Variant Classification Scheme 2023. Collection method: clinical testing. Allele origin: germline.

GeneDx
Classification: Benign. Last evaluated: 2019-05-21. Review status: criteria provided, single submitter. Criteria: GeneDx Variant Classification Process June 2021. Collection method: clinical testing. Allele origin: germline. Affected: yes.

Illumina Laboratory Services, Illumina
Classification: Benign for Neuronopathy, distal hereditary motor, autosomal dominant 8. Last evaluated: 2018-01-12. Review status: criteria provided, single submitter. Criteria: ICSL Variant Classification Criteria 13 December 2019. Collection method: clinical testing. Allele origin: germline.
Comment: This variant was observed in the ICSL laboratory as part of a predisposition screen in an ostensibly healthy population. It had not been previously curated by ICSL or reported in the Human Gene Mutation Database (HGMD: prior to June 1st, 2018), and was therefore a candidate for classification through an automated scoring system. Utilizing variant allele frequency, disease prevalence and penetrance estimates, and inheritance mode, an automated score was calculated to assess if this variant is too frequent to cause the disease. Based on the score and internal cut-off values, a variant classified as benign is not then subjected to further curation. The score for this variant resulted in a classification of benign for this disease.

Illumina Laboratory Services, Illumina
Classification: Benign for Spondylometaphyseal dysplasia, Kozlowski type. Last evaluated: 2018-01-12. Review status: criteria provided, single submitter. Criteria: ICSL Variant Classification Criteria 13 December 2019. Collection method: clinical testing. Allele origin: germline.
Comment: the same text as in the submission from Illumina Laboratory Services, Illumina above.

Illumina Laboratory Services, Illumina
Classification: Likely benign for Charcot-Marie-Tooth disease axonal type 2C. Last evaluated: 2018-01-12. Review status: criteria provided, single submitter. Criteria: ICSL Variant Classification Criteria 13 December 2019. Collection method: clinical testing. Allele origin: germline.
Comment: This variant was observed in the ICSL laboratory as part of a predisposition screen in an ostensibly healthy population. It had not been previously curated by ICSL or reported in the Human Gene Mutation Database (HGMD: prior to June 1st, 2018), and was therefore a candidate for classification through an automated scoring system. Utilizing variant allele frequency, disease prevalence and penetrance estimates, and inheritance mode, an automated score was calculated to assess if this variant is too frequent to cause the disease. Based on the score and internal cut-off values, a variant classified as likely benign is not then subjected to further curation. The score for this variant resulted in a classification of likely benign for this disease.

Illumina Laboratory Services, Illumina
Classification: Benign for Scapuloperoneal spinal muscular atrophy. Last evaluated: 2018-01-12. Review status: criteria provided, single submitter. Criteria: ICSL Variant Classification Criteria 13 December 2019. Collection method: clinical testing. Allele origin: germline.
Comment: the same text as in the submission from Illumina Laboratory Services, Illumina above.

Illumina Laboratory Services, Illumina
Classification: Benign for Brachyrachia (short spine dysplasia). Last evaluated: 2018-01-12. Review status: criteria provided, single submitter. Criteria: ICSL Variant Classification Criteria 13 December 2019. Collection method: clinical testing. Allele origin: germline.
Comment: the same text as in the submission from Illumina Laboratory Services, Illumina above.

Illumina Laboratory Services, Illumina
Classification: Benign for Metatropic dysplasia. Last evaluated: 2018-01-12. Review status: criteria provided, single submitter. Criteria: ICSL Variant Classification Criteria 13 December 2019. Collection method: clinical testing. Allele origin: germline.
Comment: the same text as in the submission from Illumina Laboratory Services, Illumina above.

Molecular Genetics Laboratory, London Health Sciences Centre
Classification: Likely benign for Charcot-Marie-Tooth disease. Review status: criteria provided, single submitter. Criteria: ACMG Guidelines, 2015. Collection method: clinical testing. Allele origin: germline. Affected: yes.

Literature cited by the submitters: PubMed 26392352 (cited by Athena Diagnostics); PubMed 22851605 (cited by Athena Diagnostics).